The following is an entry in ClinVar:

NM_006306.4(SMC1A):c.1546-5C>T

Gene: SMC1A (structural maintenance of chromosomes 1A; minus strand). Cytogenetic location: Xp11.22.
Variant type: single nucleotide variant.
Coding change: c.1546-5C>T on transcript NM_006306.4 (MANE Select); 5 bases into the intron before coding-DNA position 1546, C replaced by T.
Molecular consequence: intron variant.
Genome position (GRCh38, 1-based): chrX:53,405,961, G>A on the plus strand (C>T on the coding strand, the complement: SMC1A is on the minus strand). VCF-style: chrX-53405961-G-A. GRCh37 (hg19) VCF-style: chrX-53432893-G-A.
Other names: c.1480-5C>T (NM_001281463.1).
Identifiers: ClinVar variation 1565672 (VCV001565672.11), dbSNP rs1556889651, ClinGen allele CA641906946.
Genomic context (GRCh38, chrX:53,405,961, plus strand): 5'-ACAGCAATCTGATACTTCTTTTGTGTGGGCTGGCATAGGTCAATGAGGCGGCCGTACTGA[G>A]TAAAGTAGGAAGGGAAAACTGAAGTATGAAGCTTTTGGAAGCTGGCTCAGGAATCCTAAT-3'

ClinVar aggregate classification (germline): Likely benign. Review status: criteria provided, multiple submitters, no conflicts (2 of 4 stars). 2 submissions from 2 submitters: Likely benign (2). Last evaluated 2026-01-13.

Conditions:
Congenital muscular hypertrophy-cerebral syndrome (CDLS2). Also called: Cornelia de Lange syndrome 2; SMC1A-Related Cornelia de Lange Syndrome. Identifiers: Orphanet 199, MedGen C1802395, MONDO:0010370, OMIM 300590.

Allele frequency attached by ClinVar (database versions not stated): gnomAD exomes below 0.00001 and 0.00002; TOPMed 0.00002.
gnomAD v4.1: 4 of 1,209,715 alleles (0.00033%); highest among the groups gnomAD compares: Admixed American, 0.0065%; no homozygotes.

Submissions (2):

Labcorp Genetics (formerly Invitae), Labcorp
Classification: Likely benign for Congenital muscular hypertrophy-cerebral syndrome. Last evaluated: 2026-01-13. Review status: criteria provided, single submitter. Criteria: Invitae Variant Classification Sherloc (09022015). Collection method: clinical testing. Allele origin: germline.

Women's Health and Genetics/Laboratory Corporation of America, LabCorp
Classification: Likely benign. Last evaluated: 2025-04-30. Review status: criteria provided, single submitter. Criteria: LabCorp Variant Classification Summary - May 2015. Collection method: clinical testing. Allele origin: germline.
Comment: Variant summary: SMC1A c.1546-5C>T alters a nucleotide located at a position not widely known to affect splicing. Consensus agreement among computation tools predict no significant impact on normal splicing. However, these predictions have yet to be confirmed by functional studies. The variant allele was found at a frequency of 3.3e-06 in 1209715 control chromosomes. The available data on variant occurrences in the general population are insufficient to allow any conclusion about variant significance. To our knowledge, no occurrence of c.1546-5C>T in individuals affected with Congenital Muscular Hypertrophy-Cerebral Syndrome and no experimental evidence demonstrating its impact on protein function have been reported. ClinVar contains an entry for this variant (Variation ID: 1565672). Based on the evidence outlined above, the variant was classified as likely benign.

Literature cited by the submitters: PubMed 27288520 (cited by Women's Health and Genetics/Laboratory Corporation of America, LabCorp); PubMed 20514443 (cited by Women's Health and Genetics/Laboratory Corporation of America, LabCorp); PubMed 29860495 (cited by Women's Health and Genetics/Laboratory Corporation of America, LabCorp); PubMed 24220272 (cited by Women's Health and Genetics/Laboratory Corporation of America, LabCorp); PubMed 24487413 (cited by Women's Health and Genetics/Laboratory Corporation of America, LabCorp); PubMed 24904756 (cited by Women's Health and Genetics/Laboratory Corporation of America, LabCorp); PubMed 24335498 (cited by Women's Health and Genetics/Laboratory Corporation of America, LabCorp); PubMed 25006131 (cited by Women's Health and Genetics/Laboratory Corporation of America, LabCorp); PubMed 31896782 (cited by Women's Health and Genetics/Laboratory Corporation of America, LabCorp).